The following is an entry in ClinVar:

ClinVar aggregate classification (germline): Conflicting classifications of pathogenicity. Review status: criteria provided, conflicting classifications (1 of 4 stars). 2 submissions from 2 submitters: Uncertain significance (1); Likely benign (1). Last evaluated 2025-01-29.

Conditions:
Congenital contractural arachnodactyly (CCA). Also called: BEALS SYNDROME; Beals-Hecht syndrome; Arthrogryposis, distal, type 9. Identifiers: Orphanet 115, MedGen C0220668, MONDO:0007363, OMIM 121050.

Allele frequency attached by ClinVar (database versions not stated): gnomAD exomes below 0.00001; ExAC 0.00002.

Submissions (2):

Labcorp Genetics (formerly Invitae), Labcorp
Classification: Likely benign for Congenital contractural arachnodactyly. Last evaluated: 2025-01-29. Review status: criteria provided, single submitter. Criteria: Invitae Variant Classification Sherloc (09022015). Collection method: clinical testing. Allele origin: germline.

GeneDx
Classification: Uncertain significance. Last evaluated: 2020-02-06. Review status: criteria provided, single submitter. Criteria: GeneDx Variant Classification Process June 2021. Collection method: clinical testing. Allele origin: germline. Affected: yes.
Comment: Has not been previously published as pathogenic or benign to our knowledge; Not observed at a significant frequency in large population cohorts (Lek et al., 2016); In silico analysis supports that this missense variant has a deleterious effect on protein structure/function

NM_001999.4(FBN2):c.584G>A (p.Arg195His)

Gene: FBN2 (fibrillin 2; minus strand). Cytogenetic location: 5q23.3.
Variant type: single nucleotide variant.
Coding change: c.584G>A on transcript NM_001999.4 (MANE Select); coding-DNA position 584, G replaced by A.
Protein change: p.Arg195His; replaces arginine 195 with histidine.
Molecular consequence: missense variant.
Genome position (GRCh38, 1-based): chr5:128,519,317, C>T on the plus strand (G>A on the coding strand, the complement: FBN2 is on the minus strand). VCF-style: chr5-128519317-C-T. GRCh37 (hg19) VCF-style: chr5-127855010-C-T.
Other names: short protein forms R195H.
Identifiers: ClinVar variation 1193605 (VCV001193605.10), dbSNP rs746890032, ClinGen allele CA3396065.